The following is an entry in ClinVar:

ClinVar aggregate classification (germline): Uncertain significance (1 of 4 stars; one submission).

gnomAD v4.1: 26 of 1,550,652 alleles (0.0017%); highest among the groups gnomAD compares: Admixed American, 0.0078%; no homozygotes.

Submission:

Ambry Genetics
Classification: Uncertain significance. Last evaluated: 2025-02-13. Review status: criteria provided, single submitter. Criteria: Ambry Variant Classification Scheme 2023. Collection method: clinical testing. Allele origin: germline.
Comment: The c.2408G>A (p.R803Q) alteration is located in exon (coding exon ) of the PARG gene. This alteration results from a G to A substitution at nucleotide position 2408, causing the arginine (R) at amino acid position 803 to be replaced by a glutamine (Q). Based on insufficient or conflicting evidence, the clinical significance of this alteration remains unclear.

NM_003631.5(PARG):c.2408G>A (p.Arg803Gln)

Gene: PARG (poly(ADP-ribose) glycohydrolase; minus strand). Cytogenetic location: 10q11.23.
Variant type: single nucleotide variant.
Coding change: c.2408G>A on transcript NM_003631.5 (MANE Select); coding-DNA position 2408, G replaced by A.
Protein change: p.Arg803Gln; replaces arginine 803 with glutamine.
Molecular consequence: missense variant. On other transcripts: non-coding transcript variant (7).
Genome position (GRCh38, 1-based): chr10:49,843,578, C>T on the plus strand (G>A on the coding strand, the complement: PARG is on the minus strand). VCF-style: chr10-49843578-C-T. GRCh37 (hg19) VCF-style: chr10-51051624-C-T.
Other names: c.2162G>A, p.Arg721Gln (NM_001303486.3, NM_001324381.3); c.2084G>A, p.Arg695Gln (NM_001303487.3); c.1166G>A, p.Arg389Gln (NM_001303489.3); short protein forms R721Q, R389Q, R695Q, R803Q.
Identifiers: ClinVar variation 3885656 (VCV003885656.1).